The following is an entry in ClinVar:

ClinVar aggregate classification (germline): Uncertain significance (1 of 4 stars; one submission).

Conditions:
Leigh syndrome (NULS). Also called: Leigh's necrotizing encephalopathy; Leigh's disease; Leigh Syndrome (mtDNA deletion); Leigh Disease; Subacute necrotizing encephalopathy; Necrotizing encephalopathy infantile subacute of Leigh. Identifiers: Orphanet 506, MedGen C2931891, MONDO:0009723, OMIM 256000.

Submission:

Wong Mito Lab, Molecular and Human Genetics, Baylor College of Medicine
Classification: Uncertain significance for Leigh syndrome. Last evaluated: 2019-10-17. Review status: criteria provided, single submitter. Criteria: Modified ACMG Guidelines (Unpublished). Collection method: clinical testing. Allele origin: germline.
Comment: The NC_012920.1:m.12905T>C (YP_003024036.1:p.Ile190Thr) variant in MTND5 gene is interpretated to be a Uncertain Significance variant based on the modified ACMG guidelines (unpublished). This variant meets the following evidence codes: PP7, BP4, BP5

NC_012920.1(MT-ND5):m.12905T>C

Gene: MT-ND5 (mitochondrially encoded NADH dehydrogenase 5; plus strand).
Variant type: single nucleotide variant.
Genome position: chrM-12905-T-C.
Identifiers: ClinVar variation 693498 (VCV000693498.1), dbSNP rs1603223963, ClinGen allele CA414815423.